The following is an entry in ClinVar:

ClinVar aggregate classification (germline): Pathogenic (1 of 4 stars; one submission).

Conditions:
Neutropenia, severe congenital, 1, autosomal dominant. Identifiers: MedGen C1859966, MONDO:0042490, OMIM 202700.
Cyclical neutropenia. Also called: Cyclic hematopoiesis; Cyclic Neutropenia. Identifiers: Orphanet 2686, MedGen C0221023, MONDO:0008090, OMIM 162800, HP:0040289. Disease mechanism: loss of function.

Submission:

Labcorp Genetics (formerly Invitae), Labcorp
Classification: Pathogenic for Neutropenia, severe congenital, 1, autosomal dominant; Cyclical neutropenia. Last evaluated: 2025-08-21. Review status: criteria provided, single submitter. Criteria: Invitae Variant Classification Sherloc (09022015). Collection method: clinical testing. Allele origin: germline.
Comment: This sequence change replaces serine, which is neutral and polar, with proline, which is neutral and non-polar, at codon 46 of the ELANE protein (p.Ser46Pro). This variant is not present in population databases (gnomAD no frequency). This missense change has been observed in individual(s) with congenital neutropenia (internal data). In at least one individual the variant was observed to be de novo. ClinVar contains an entry for this variant (Variation ID: 952580). Invitae Evidence Modeling of protein sequence and biophysical properties (such as structural, functional, and spatial information, amino acid conservation, physicochemical variation, residue mobility, and thermodynamic stability) indicates that this missense variant is expected to disrupt ELANE protein function with a positive predictive value of 95%. This variant disrupts the p.Ser46 amino acid residue in ELANE. Other variant(s) that disrupt this residue have been observed in individuals with ELANE-related conditions (PMID: 14962902, 19036076, 23463630), which suggests that this may be a clinically significant amino acid residue. For these reasons, this variant has been classified as Pathogenic.

Literature cited by the submitters: PubMed 14962902; PubMed 19036076; PubMed 23463630.

NM_001972.4(ELANE):c.136T>C (p.Ser46Pro)

Gene: ELANE (elastase, neutrophil expressed; plus strand). Cytogenetic location: 19p13.3.
Variant type: single nucleotide variant.
Coding change: c.136T>C on transcript NM_001972.4 (MANE Select); coding-DNA position 136, T replaced by C.
Protein change: p.Ser46Pro; replaces serine 46 with proline.
Molecular consequence: missense variant.
Genome position (GRCh38, 1-based): chr19:852,944, T>C. VCF-style: chr19-852944-T-C. GRCh37 (hg19) VCF-style: chr19-852944-T-C.
Other names: short protein forms S46P.
Identifiers: ClinVar variation 952580 (VCV000952580.12), dbSNP rs2035616857, ClinGen allele CA402914542.